The following is an entry in ClinVar:

NM_000256.3(MYBPC3):c.3741C>T (p.Asp1247=)

Gene: MYBPC3 (myosin binding protein C3; minus strand). Cytogenetic location: 11p11.2.
Variant type: single nucleotide variant.
Coding change: c.3741C>T on transcript NM_000256.3 (MANE Select); coding-DNA position 3741, C replaced by T.
Protein change: p.Asp1247=; no amino-acid change (aspartic acid 1247 retained).
Molecular consequence: synonymous variant.
Genome position (GRCh38, 1-based): chr11:47,332,145, G>A on the plus strand (C>T on the coding strand, the complement: MYBPC3 is on the minus strand). VCF-style: chr11-47332145-G-A. GRCh37 (hg19) VCF-style: chr11-47353696-G-A.
Identifiers: ClinVar variation 188589 (VCV000188589.21), dbSNP rs543376073, ClinGen allele CA014720.

ClinVar aggregate classification (germline): Conflicting classifications of pathogenicity. Review status: criteria provided, conflicting classifications (1 of 4 stars). 8 submissions from 7 submitters: Uncertain significance (2); Benign (1); Likely benign (5). Last evaluated 2025-10-02.

Conditions:
MYBPC3-related disorder. Also called: MYBPC3-related disorders; MYBPC3-related condition; MYBPC3-related disease.
Cardiovascular phenotype. Identifiers: MedGen CN230736.
Left ventricular noncompaction 10 (LVNC10). Identifiers: Orphanet 154, Orphanet 54260, MedGen C3715165, MONDO:0014163, OMIM 615396.
Cardiomyopathy (CMYO). Also called: Cardiomyopathies. Identifiers: Orphanet 167848, MedGen C0878544, MONDO:0004994, HP:0001638. Inheritance: Various modes of inheritance.
Hypertrophic cardiomyopathy 4. Also called: Familial hypertrophic cardiomyopathy 4. Identifiers: MedGen C1861862, MONDO:0007268, OMIM 115197.
Hypertrophic cardiomyopathy. Also called: HYPERTROPHIC MYOCARDIOPATHY. Identifiers: Orphanet 217569, MedGen C0007194, MeSH D002312, MONDO:0005045, HP:0001639.

Allele frequency attached by ClinVar (database versions not stated): gnomAD exomes 0.00001 and 0.00002; TOPMed 0.00001; ExAC 0.00002; gnomAD 0.00003; 1000 Genomes Project 0.00020; 1000 Genomes Project 30x 0.00047.

Submissions (8):

Labcorp Genetics (formerly Invitae), Labcorp
Classification: Likely benign for Hypertrophic cardiomyopathy. Last evaluated: 2025-10-02. Review status: criteria provided, single submitter. Criteria: Invitae Variant Classification Sherloc (09022015). Collection method: clinical testing. Allele origin: germline.

PreventionGenetics, part of Exact Sciences
Classification: Likely benign for MYBPC3-related condition. Last evaluated: 2025-04-23. Review status: criteria provided, single submitter. Criteria: ACMG Guidelines, 2015. Collection method: clinical testing. Allele origin: germline.
Comment: This variant is classified as likely benign based on ACMG/AMP sequence variant interpretation guidelines (Richards et al. 2015 PMID: 25741868, with internal and published modifications).

All of Us Research Program, National Institutes of Health
Classification: Likely benign for Hypertrophic cardiomyopathy. Last evaluated: 2024-02-05. Review status: criteria provided, single submitter. Criteria: ACMG Guidelines, 2015. Collection method: clinical testing. Allele origin: germline. Inheritance: Autosomal dominant inheritance. Observed: 6 variant alleles, 6 heterozygotes.
Comment: This study involves interpretation of variants in research participants for the purpose of population health screening. Participant phenotype was not available at the time of variant classification. Additional details can be found in publication PMID: 35346344, PMCID: PMC8962531

Ambry Genetics
Classification: Likely benign for Cardiovascular phenotype. Last evaluated: 2022-06-14. Review status: criteria provided, single submitter. Criteria: Ambry Variant Classification Scheme 2023. Collection method: clinical testing. Allele origin: germline.

Blueprint Genetics
Classification: Benign. Last evaluated: 2022-04-11. Review status: criteria provided, single submitter. Criteria: ACMG Guidelines, 2015. Collection method: clinical testing. Allele origin: germline.

Color Diagnostics, LLC DBA Color Health
Classification: Likely benign for Cardiomyopathy. Last evaluated: 2018-10-16. Review status: criteria provided, single submitter. Criteria: ACMG Guidelines, 2015. Collection method: clinical testing. Allele origin: germline.

Illumina Laboratory Services, Illumina
Classification: Uncertain significance for Hypertrophic cardiomyopathy 4. Last evaluated: 2018-01-13. Review status: criteria provided, single submitter. Criteria: ICSL Variant Classification Criteria 13 December 2019. Collection method: clinical testing. Allele origin: germline.

Illumina Laboratory Services, Illumina
Classification: Uncertain significance for Left ventricular noncompaction 10. Last evaluated: 2018-01-13. Review status: criteria provided, single submitter. Criteria: ICSL Variant Classification Criteria 13 December 2019. Collection method: clinical testing. Allele origin: germline.